The following is an entry in ClinVar:

ClinVar aggregate classification (germline): Uncertain significance (1 of 4 stars; one submission).

Conditions:
Neurofibromatosis, type 1 (NF1). Also called: Peripheral type neurofibromatosis; Neurofibromatosis, type I; VON RECKLINGHAUSEN DISEASE; NEUROFIBROMATOSIS, TYPE I, SOMATIC. Identifiers: Orphanet 636, MedGen C0027831, MONDO:0018975, OMIM 162200. Disease mechanism: loss of function.

Submission:

Labcorp Genetics (formerly Invitae), Labcorp
Classification: Uncertain significance for Neurofibromatosis, type 1. Last evaluated: 2024-10-10. Review status: criteria provided, single submitter. Criteria: Invitae Variant Classification Sherloc (09022015). Collection method: clinical testing. Allele origin: germline.
Comment: This sequence change replaces asparagine, which is neutral and polar, with serine, which is neutral and polar, at codon 970 of the NF1 protein (p.Asn970Ser). This variant is not present in population databases (gnomAD no frequency). This variant has not been reported in the literature in individuals affected with NF1-related conditions. Invitae Evidence Modeling of protein sequence and biophysical properties (such as structural, functional, and spatial information, amino acid conservation, physicochemical variation, residue mobility, and thermodynamic stability) indicates that this missense variant is not expected to disrupt NF1 protein function with a negative predictive value of 95%. In summary, the available evidence is currently insufficient to determine the role of this variant in disease. Therefore, it has been classified as a Variant of Uncertain Significance.

NM_001042492.3(NF1):c.2909A>G (p.Asn970Ser)

Gene: NF1 (neurofibromin 1; plus strand). Cytogenetic location: 17q11.2.
Variant type: single nucleotide variant.
Coding change: c.2909A>G on transcript NM_001042492.3 (MANE Select); coding-DNA position 2909, A replaced by G.
Protein change: p.Asn970Ser; replaces asparagine 970 with serine.
Molecular consequence: missense variant.
Genome position (GRCh38, 1-based): chr17:31,229,893, A>G. VCF-style: chr17-31229893-A-G. GRCh37 (hg19) VCF-style: chr17-29556911-A-G.
Other names: c.2909A>G, p.Asn970Ser (NM_000267.4); short protein forms N970S.
Identifiers: ClinVar variation 3692777 (VCV003692777.2).